The following is an entry in ClinVar:

NM_004336.5(BUB1):c.3013A>C (p.Lys1005Gln)

Gene: BUB1 (BUB1 mitotic checkpoint serine/threonine kinase; minus strand). Cytogenetic location: 2q13.
Variant type: single nucleotide variant.
Coding change: c.3013A>C on transcript NM_004336.5 (MANE Select); coding-DNA position 3013, A replaced by C.
Protein change: p.Lys1005Gln; replaces lysine 1005 with glutamine.
Molecular consequence: missense variant.
Genome position (GRCh38, 1-based): chr2:110,639,791, T>G on the plus strand (A>C on the coding strand, the complement: BUB1 is on the minus strand). VCF-style: chr2-110639791-T-G. GRCh37 (hg19) VCF-style: chr2-111397368-T-G.
Other names: c.2953A>C, p.Lys985Gln (NM_001278616.2); c.2842A>C, p.Lys948Gln (NM_001278617.2); short protein forms K985Q, K1005Q, K948Q.
Identifiers: ClinVar variation 2560905 (VCV002560905.2), dbSNP rs764042909, ClinGen allele CA1827646.

ClinVar aggregate classification (germline): Uncertain significance (1 of 4 stars; one submission).

Allele frequency attached by ClinVar (database versions not stated): gnomAD exomes below 0.00001; ExAC 0.00001.
gnomAD v4.1: 1 of 1,614,132 alleles (0.000062%); highest among the groups gnomAD compares: Admixed American, 0.0017%; no homozygotes.

Submission:

Ambry Genetics
Classification: Uncertain significance. Last evaluated: 2023-05-04. Review status: criteria provided, single submitter. Criteria: Ambry Variant Classification Scheme 2023. Collection method: clinical testing. Allele origin: germline.
Comment: The p.K1005Q variant (also known as c.3013A>C), located in coding exon 24 of the BUB1 gene, results from an A to C substitution at nucleotide position 3013. The lysine at codon 1005 is replaced by glutamine, an amino acid with similar properties. This amino acid position is conserved. In addition, this alteration is predicted to be tolerated by in silico analysis. Since supporting evidence is limited at this time, the clinical significance of this alteration remains unclear.